The following is an entry in ClinVar:

ClinVar aggregate classification (germline): Uncertain significance (1 of 4 stars; one submission).

Conditions:
Hereditary cancer-predisposing syndrome. Also called: Hereditary Cancer Syndrome; Hereditary neoplastic syndrome; Neoplastic Syndromes, Hereditary; Tumor predisposition. Identifiers: Orphanet 140162, MedGen C0027672, MeSH D009386, MONDO:0015356.

Submission:

Ambry Genetics
Classification: Uncertain significance for Hereditary cancer-predisposing syndrome. Last evaluated: 2020-01-28. Review status: criteria provided, single submitter. Criteria: Ambry Variant Classification Scheme 2023. Collection method: clinical testing. Allele origin: germline.
Comment: The p.Q344P variant (also known as c.1031A>C), located in coding exon 4 of the MSH6 gene, results from an A to C substitution at nucleotide position 1031. The glutamine at codon 344 is replaced by proline, an amino acid with similar properties. This amino acid position is not well conserved in available vertebrate species. In addition, the in silico prediction for this alteration is inconclusive. Since supporting evidence is limited at this time, the clinical significance of this alteration remains unclear.

NM_000179.3(MSH6):c.1031A>C (p.Gln344Pro)

Gene: MSH6 (mutS homolog 6; plus strand). Cytogenetic location: 2p16.3.
Variant type: single nucleotide variant.
Coding change: c.1031A>C on transcript NM_000179.3 (MANE Select); coding-DNA position 1031, A replaced by C.
Protein change: p.Gln344Pro; replaces glutamine 344 with proline.
Molecular consequence: missense variant.
Genome position (GRCh38, 1-based): chr2:47,799,014, A>C. VCF-style: chr2-47799014-A-C. GRCh37 (hg19) VCF-style: chr2-48026153-A-C.
Other names: c.641A>C, p.Gln214Pro (NM_001281492.2); c.125A>C, p.Gln42Pro (NM_001281493.2, NM_001281494.2, NM_001406811.1 and 6 more transcripts); c.1127A>C, p.Gln376Pro (NM_001406795.1, NM_001406802.1); c.1031A>C, p.Gln344Pro (NM_001406796.1, NM_001406798.1, NM_001406800.1 and 4 more transcripts); c.734A>C, p.Gln245Pro (NM_001406797.1, NM_001406801.1, NM_001406805.1 and 10 more transcripts); c.506A>C, p.Gln169Pro (NM_001406799.1, NM_001406806.1, NM_001406807.1); c.953A>C, p.Gln318Pro (NM_001406804.1); c.1037A>C, p.Gln346Pro (NM_001406813.1); and 1 more; short protein forms Q245P, Q346P, Q376P, Q169P, Q288P, Q318P, Q214P, Q42P.
Identifiers: ClinVar variation 1771196 (VCV001771196.2), dbSNP rs2104314842, ClinGen allele CA346741392.